The following is an entry in ClinVar:

ClinVar aggregate classification (germline): Uncertain significance (1 of 4 stars; one submission).

Conditions:
Nephronophthisis 15 (NPHP15). Identifiers: Orphanet 3156, MedGen C3541853, MONDO:0013917, OMIM 614845.

Submission:

Labcorp Genetics (formerly Invitae), Labcorp
Classification: Uncertain significance for Nephronophthisis 15. Last evaluated: 2021-08-28. Review status: criteria provided, single submitter. Criteria: Invitae Variant Classification Sherloc (09022015). Collection method: clinical testing. Allele origin: germline.
Comment: This sequence change replaces leucine with glutamine at codon 1011 of the CEP164 protein (p.Leu1011Gln). The leucine residue is highly conserved and there is a moderate physicochemical difference between leucine and glutamine. This variant is not present in population databases (ExAC no frequency). This variant has not been reported in the literature in individuals affected with CEP164-related conditions. Algorithms developed to predict the effect of missense changes on protein structure and function (SIFT, PolyPhen-2, Align-GVGD) all suggest that this variant is likely to be disruptive. In summary, the available evidence is currently insufficient to determine the role of this variant in disease. Therefore, it has been classified as a Variant of Uncertain Significance.

NM_014956.5(CEP164):c.3032T>A (p.Leu1011Gln)

Gene: CEP164 (centrosomal protein 164; plus strand). Cytogenetic location: 11q23.3.
Variant type: single nucleotide variant.
Coding change: c.3032T>A on transcript NM_014956.5 (MANE Select); coding-DNA position 3032, T replaced by A.
Protein change: p.Leu1011Gln; replaces leucine 1011 with glutamine.
Molecular consequence: missense variant.
Genome position (GRCh38, 1-based): chr11:117,395,665, T>A. VCF-style: chr11-117395665-T-A. GRCh37 (hg19) VCF-style: chr11-117266381-T-A.
Other names: c.3041T>A, p.Leu1014Gln (NM_001271933.2); short protein forms L1011Q, L1014Q.
Identifiers: ClinVar variation 1053552 (VCV001053552.6), dbSNP rs138868323, ClinGen allele CA382732084.